The following is an entry in ClinVar:

NM_002439.5(MSH3):c.1828C>T (p.Gln610Ter)

Gene: MSH3 (mutS homolog 3; plus strand). Cytogenetic location: 5q14.1.
Variant type: single nucleotide variant.
Coding change: c.1828C>T on transcript NM_002439.5 (MANE Select); coding-DNA position 1828, C replaced by T.
Protein change: p.Gln610Ter; replaces glutamine 610 with a stop codon.
Molecular consequence: nonsense.
Genome position (GRCh38, 1-based): chr5:80,761,610, C>T. VCF-style: chr5-80761610-C-T. GRCh37 (hg19) VCF-style: chr5-80057429-C-T.
Other names: short protein forms Q610*.
Identifiers: ClinVar variation 1069310 (VCV001069310.8), dbSNP rs1360794165, ClinGen allele CA360276598.
Genomic context (GRCh38, chr5:80,761,610, plus strand): 5'-ATAAATGCCCGGCTTGATGCTGTATCGGAAGTTCTCCATTCAGAATCTAGTGTGTTTGGT[C>T]AGATAGAAAATCATCTACGTAAATTGCCCGACATAGAGAGGGGACTCTGTAGCATTTATC-3'

ClinVar aggregate classification (germline): Pathogenic/Likely pathogenic. Review status: criteria provided, multiple submitters, no conflicts (2 of 4 stars). 3 submissions from 3 submitters: Pathogenic (2); Likely pathogenic (1). Last evaluated 2023-08-30.

Conditions:
Familial adenomatous polyposis 4 (FAP4). Also called: MSH3-related attenuated familial adenomatous polyposis. Identifiers: Orphanet 480536, MedGen C4310719, MONDO:0044300, OMIM 617100.
Endometrial carcinoma. Also called: Endometrial carcinoma, somatic. Identifiers: MedGen C0476089, MONDO:0002447, OMIM 608089, HP:0012114.

gnomAD v4.1: 1 of 1,613,910 alleles (0.000062%); no homozygotes.

Submissions (3):

Myriad Genetics, Inc.
Classification: Pathogenic for Familial adenomatous polyposis 4. Last evaluated: 2023-08-30. Review status: criteria provided, single submitter. Criteria: Myriad Autosomal Dominant, Autosomal Recessive and X-Linked Classification Criteria (2023). Collection method: clinical testing. Allele origin: unknown.
Comment: This variant is considered pathogenic. This variant creates a termination codon and is predicted to result in premature protein truncation.

Baylor Genetics
Classification: Likely pathogenic for Endometrial carcinoma. Last evaluated: 2023-03-10. Review status: criteria provided, single submitter. Criteria: ACMG Guidelines, 2015. Collection method: clinical testing. Allele origin: unknown.

Labcorp Genetics (formerly Invitae), Labcorp
Classification: Pathogenic. Last evaluated: 2020-08-25. Review status: criteria provided, single submitter. Criteria: Invitae Variant Classification Sherloc (09022015). Collection method: clinical testing. Allele origin: germline.
Comment: For these reasons, this variant has been classified as Pathogenic. Loss-of-function variants in MSH3 are known to be pathogenic (PMID: 27476653). This variant has not been reported in the literature in individuals with MSH3-related conditions. This variant is not present in population databases (ExAC no frequency). This sequence change creates a premature translational stop signal (p.Gln610*) in the MSH3 gene. It is expected to result in an absent or disrupted protein product.

Literature cited by the submitters: PubMed 27476653 (cited by Labcorp Genetics (formerly Invitae), Labcorp).